The following is an entry in ClinVar:

ClinVar aggregate classification (germline): Uncertain significance (1 of 4 stars; one submission).

Submission:

Labcorp Genetics (formerly Invitae), Labcorp
Classification: Uncertain significance. Last evaluated: 2022-08-31. Review status: criteria provided, single submitter. Criteria: Invitae Variant Classification Sherloc (09022015). Collection method: clinical testing. Allele origin: germline.
Comment: This sequence change replaces proline, which is neutral and non-polar, with serine, which is neutral and polar, at codon 600 of the LAMC3 protein (p.Pro600Ser). This variant is not present in population databases (gnomAD no frequency). This variant has not been reported in the literature in individuals affected with LAMC3-related conditions. ClinVar contains an entry for this variant (Variation ID: 1471464). Algorithms developed to predict the effect of missense changes on protein structure and function output the following: SIFT: "Tolerated"; PolyPhen-2: "Benign"; Align-GVGD: "Class C0". The serine amino acid residue is found in multiple mammalian species, which suggests that this missense change does not adversely affect protein function. In summary, the available evidence is currently insufficient to determine the role of this variant in disease. Therefore, it has been classified as a Variant of Uncertain Significance.

NM_006059.4(LAMC3):c.1798C>T (p.Pro600Ser)

Genes: LAMC3 (laminin subunit gamma 3; plus strand), LOC126860777 (BRD4-independent group 4 enhancer GRCh37_chr9:133927058-133928257; plus strand). Cytogenetic location: 9q34.12.
Variant type: single nucleotide variant.
Coding change: c.1798C>T on transcript NM_006059.4 (MANE Select); coding-DNA position 1798, C replaced by T.
Protein change: p.Pro600Ser; replaces proline 600 with serine.
Molecular consequence: missense variant.
Genome position (GRCh38, 1-based): chr9:131,052,658, C>T. VCF-style: chr9-131052658-C-T. GRCh37 (hg19) VCF-style: chr9-133928045-C-T.
Other names: short protein forms P600S.
Identifiers: ClinVar variation 1471464 (VCV001471464.3), dbSNP rs771250530, ClinGen allele CA375264094.